The following is an entry in ClinVar:

NM_004994.3(MMP9):c.404C>T (p.Ala135Val)

Gene: MMP9 (matrix metallopeptidase 9; plus strand). Cytogenetic location: 20q13.12.
Variant type: single nucleotide variant.
Coding change: c.404C>T on transcript NM_004994.3 (MANE Select); coding-DNA position 404, C replaced by T.
Protein change: p.Ala135Val; replaces alanine 135 with valine.
Molecular consequence: missense variant.
Genome position (GRCh38, 1-based): chr20:46,010,515, C>T. VCF-style: chr20-46010515-C-T. GRCh37 (hg19) VCF-style: chr20-44639154-C-T.
Other names: short protein forms A135V.
Identifiers: ClinVar variation 1925682 (VCV001925682.5), dbSNP rs757458476, ClinGen allele CA9886380.

ClinVar aggregate classification (germline): Uncertain significance (1 of 4 stars; one submission).

Allele frequency attached by ClinVar (database versions not stated): ExAC 0.00001; gnomAD exomes 0.00001.
gnomAD v4.1: 3 of 1,614,204 alleles (0.00019%); highest among the groups gnomAD compares: Non-Finnish European, 0.00025%; no homozygotes.

Submission:

Labcorp Genetics (formerly Invitae), Labcorp
Classification: Uncertain significance. Last evaluated: 2022-06-05. Review status: criteria provided, single submitter. Criteria: Invitae Variant Classification Sherloc (09022015). Collection method: clinical testing. Allele origin: germline.
Comment: In summary, the available evidence is currently insufficient to determine the role of this variant in disease. Therefore, it has been classified as a Variant of Uncertain Significance. Algorithms developed to predict the effect of missense changes on protein structure and function (SIFT, PolyPhen-2, Align-GVGD) all suggest that this variant is likely to be tolerated. This variant has not been reported in the literature in individuals affected with MMP9-related conditions. This variant is present in population databases (rs757458476, gnomAD 0.002%). This sequence change replaces alanine, which is neutral and non-polar, with valine, which is neutral and non-polar, at codon 135 of the MMP9 protein (p.Ala135Val).